The following is an entry in ClinVar:

NM_006231.4(POLE):c.3591_3592insTCTGAG (p.Met1197_Ala1198insSerGlu)

Gene: POLE (DNA polymerase epsilon, catalytic subunit; minus strand). Cytogenetic location: 12q24.33.
Variant type: Insertion.
Coding change: c.3591_3592insTCTGAG on transcript NM_006231.4 (MANE Select); coding-DNA positions 3591 to 3592, TCTGAG inserted.
Protein change: p.Met1197_Ala1198insSerGlu.
Molecular consequence: inframe insertion.
Genome position: GRCh38 VCF-style: chr12-132649880-C-CCTCAGA. GRCh37 (hg19) VCF-style: chr12-133226466-C-CCTCAGA.
Identifiers: ClinVar variation 3669390 (VCV003669390.2).

ClinVar aggregate classification (germline): Uncertain significance (1 of 4 stars; one submission).

Submission:

Labcorp Genetics (formerly Invitae), Labcorp
Classification: Uncertain significance. Last evaluated: 2024-04-27. Review status: criteria provided, single submitter. Criteria: Invitae Variant Classification Sherloc (09022015). Collection method: clinical testing. Allele origin: germline.
Comment: This variant, c.3591_3592insTCTGAG, results in the insertion of 2 amino acid(s) of the POLE protein (p.Met1197_Ala1198insSerGlu), but otherwise preserves the integrity of the reading frame. This variant is not present in population databases (gnomAD no frequency). This variant has not been reported in the literature in individuals affected with POLE-related conditions. Experimental studies and prediction algorithms are not available or were not evaluated, and the functional significance of this variant is currently unknown. In summary, the available evidence is currently insufficient to determine the role of this variant in disease. Therefore, it has been classified as a Variant of Uncertain Significance.